The following is an entry in ClinVar:

ClinVar aggregate classification (germline): Pathogenic (1 of 4 stars; one submission).

Submission:

Labcorp Genetics (formerly Invitae), Labcorp
Classification: Pathogenic. Last evaluated: 2023-04-20. Review status: criteria provided, single submitter. Criteria: Invitae Variant Classification Sherloc (09022015). Collection method: clinical testing. Allele origin: germline.
Comment: This variant is not present in population databases (gnomAD no frequency). This sequence change creates a premature translational stop signal (p.His465Profs*20) in the ASXL1 gene. It is expected to result in an absent or disrupted protein product. Loss-of-function variants in ASXL1 are known to be pathogenic (PMID: 21706002). This premature translational stop signal has been observed in individual(s) with syndromic features, growth anomaly, and cardiovascular disease (PMID: 33258288). For these reasons, this variant has been classified as Pathogenic.

Literature cited by the submitters: PubMed 21706002; PubMed 33258288.

NM_015338.6(ASXL1):c.1393dup (p.His465fs)

Gene: ASXL1 (ASXL transcriptional regulator 1; plus strand). Cytogenetic location: 20q11.21.
Variant type: Duplication.
Coding change: c.1393dup on transcript NM_015338.6 (MANE Select); coding-DNA position 1393, one base duplicated (C; older notation c.1393dupC).
Protein change: p.His465fs; shifts the reading frame from histidine 465.
Molecular consequence: frameshift variant.
Genome position (GRCh38, 1-based): chr20:32,433,591, C duplicated; the last of 4 consecutive C bases (chr20:32,433,588-32,433,591); duplicating any one gives the same sequence. VCF-style (leftmost placement, unchanged base first): chr20-32433587-T-TC. GRCh37 (hg19) VCF-style: chr20-31021390-T-TC.
Other names: c.1210dup, p.His404fs (NM_001363734.1); short protein forms H465fs, H404fs.
Identifiers: ClinVar variation 2780442 (VCV002780442.3), dbSNP rs2011605261, ClinGen allele CA1016960748.